The following is an entry in ClinVar:

ClinVar aggregate classification (germline): Uncertain significance. Review status: criteria provided, multiple submitters, no conflicts (2 of 4 stars). 2 submissions from 2 submitters: Uncertain significance (2). Last evaluated 2026-05-21.

Submissions (2):

Women's Health and Genetics/Laboratory Corporation of America, LabCorp
Classification: Uncertain significance. Last evaluated: 2026-05-21. Review status: criteria provided, single submitter. Criteria: LabCorp Variant Classification Summary - May 2015. Collection method: clinical testing. Allele origin: germline.
Comment: Variant summary: COL11A2 c.5101C>T (p.Arg1701X) results in a premature termination codon, predicted to cause a truncation of the encoded protein but is not expected to cause nonsense mediated decay. The variant was absent in 244422 control chromosomes (gnomAD). The available data on variant occurrences in the general population are insufficient to allow any conclusion about variant significance. To our knowledge, no occurrence of c.5101C>T in individuals affected with COL11A2-related conditions and no experimental evidence demonstrating its impact on protein function have been reported. ClinVar contains an entry for this variant (Variation ID: 3690157). Based on the evidence outlined above, the variant was classified as uncertain significance.

Labcorp Genetics (formerly Invitae), Labcorp
Classification: Uncertain significance. Last evaluated: 2024-10-21. Review status: criteria provided, single submitter. Criteria: Invitae Variant Classification Sherloc (09022015). Collection method: clinical testing. Allele origin: germline.
Comment: This sequence change creates a premature translational stop signal (p.Arg1701*) in the COL11A2 gene. While this is not anticipated to result in nonsense mediated decay, it is expected to disrupt the last 36 amino acid(s) of the COL11A2 protein. This variant is not present in population databases (gnomAD no frequency). This variant has not been reported in the literature in individuals affected with COL11A2-related conditions. Experimental studies and prediction algorithms are not available or were not evaluated, and the functional significance of this variant is currently unknown. In summary, the available evidence is currently insufficient to determine the role of this variant in disease. Therefore, it has been classified as a Variant of Uncertain Significance.

NM_080680.3(COL11A2):c.5101C>T (p.Arg1701Ter)

Gene: COL11A2 (collagen type XI alpha 2 chain; minus strand). Cytogenetic location: 6p21.32.
Variant type: single nucleotide variant.
Coding change: c.5101C>T on transcript NM_080680.3 (MANE Select); coding-DNA position 5101, C replaced by T.
Protein change: p.Arg1701Ter; replaces arginine 1701 with a stop codon.
Molecular consequence: nonsense.
Genome position (GRCh38, 1-based): chr6:33,163,788, G>A on the plus strand (C>T on the coding strand, the complement: COL11A2 is on the minus strand). VCF-style: chr6-33163788-G-A. GRCh37 (hg19) VCF-style: chr6-33131565-G-A.
Other names: c.4921C>T, p.Arg1641Ter (NM_001424108.1); c.4255C>T, p.Arg1419Ter (NM_001424109.1); c.4075C>T, p.Arg1359Ter (NM_001424110.1, NM_001424111.1); c.3055C>T, p.Arg1019Ter (NM_001424112.1); c.4780C>T, p.Arg1594Ter (NM_080679.3); c.4843C>T, p.Arg1615Ter (NM_080681.3); short protein forms R1359*, R1419*, R1019*, R1641*, R1701*, R1594*, R1615*.
Identifiers: ClinVar variation 3690157 (VCV003690157.3).